The following is an entry in ClinVar:

ClinVar aggregate classification (germline): Uncertain significance (1 of 4 stars; one submission).

Conditions:
Charcot-Marie-Tooth disease type 4. Also called: Charcot-Marie-Tooth disease, type IV; Charcot-Marie-Tooth, Type 4. Identifiers: Orphanet 64749, MedGen C4082197, MONDO:0018995.

Submission:

Labcorp Genetics (formerly Invitae), Labcorp
Classification: Uncertain significance for Charcot-Marie-Tooth disease type 4. Last evaluated: 2019-01-30. Review status: criteria provided, single submitter. Criteria: Invitae Variant Classification Sherloc (09022015). Collection method: clinical testing. Allele origin: germline.
Comment: In summary, the available evidence is currently insufficient to determine the role of this variant in disease. Therefore, it has been classified as a Variant of Uncertain Significance. Algorithms developed to predict the effect of missense changes on protein structure and function (SIFT, PolyPhen-2, Align-GVGD) all suggest that this variant is likely to be tolerated, but these predictions have not been confirmed by published functional studies and their clinical significance is uncertain. This variant has not been reported in the literature in individuals with MTMR2-related conditions. This variant is not present in population databases (ExAC no frequency). This sequence change replaces lysine with threonine at codon 588 of the MTMR2 protein (p.Lys588Thr). The lysine residue is moderately conserved and there is a moderate physicochemical difference between lysine and threonine.

NM_016156.6(MTMR2):c.1763A>C (p.Lys588Thr)

Gene: MTMR2 (myotubularin related protein 2; minus strand). Cytogenetic location: 11q21.
Variant type: single nucleotide variant.
Coding change: c.1763A>C on transcript NM_016156.6 (MANE Select); coding-DNA position 1763, A replaced by C.
Protein change: p.Lys588Thr; replaces lysine 588 with threonine.
Molecular consequence: missense variant.
Genome position (GRCh38, 1-based): chr11:95,836,155, T>G on the plus strand (A>C on the coding strand, the complement: MTMR2 is on the minus strand). VCF-style: chr11-95836155-T-G. GRCh37 (hg19) VCF-style: chr11-95569319-T-G.
Other names: c.1547A>C, p.Lys516Thr (NM_001243571.2, NM_201278.3, NM_201281.3); short protein forms K516T, K588T.
Identifiers: ClinVar variation 840392 (VCV000840392.9), dbSNP rs1863268067, ClinGen allele CA382413702.